The following is an entry in ClinVar:

NM_007214.5(SEC63):c.224+9T>C

Gene: SEC63 (SEC63 protein translocation regulator; minus strand). Cytogenetic location: 6q21.
Variant type: single nucleotide variant.
Coding change: c.224+9T>C on transcript NM_007214.5 (MANE Select); 9 bases into the intron after coding-DNA position 224, T replaced by C.
Molecular consequence: intron variant.
Genome position (GRCh38, 1-based): chr6:107,929,406, A>G on the plus strand (T>C on the coding strand, the complement: SEC63 is on the minus strand). VCF-style: chr6-107929406-A-G. GRCh37 (hg19) VCF-style: chr6-108250610-A-G.
Other names: c.224+9T>C (NM_007214.4).
Identifiers: ClinVar variation 3022045 (VCV003022045.4), dbSNP rs1346619644, ClinGen allele CA569145247.

ClinVar aggregate classification (germline): Likely benign. Review status: criteria provided, multiple submitters, no conflicts (2 of 4 stars). 2 submissions from 2 submitters: Likely benign (2). Last evaluated 2025-10-13.

Conditions:
SEC63-related disorder. Also called: SEC63-related condition.

Allele frequency attached by ClinVar (database versions not stated): gnomAD exomes below 0.00001; gnomAD 0.00001; TOPMed 0.00005.
gnomAD v4.1: 8 of 1,444,862 alleles (0.00055%); highest among the groups gnomAD compares: Admixed American, 0.005%; no homozygotes.

Submissions (2):

PreventionGenetics, part of Exact Sciences
Classification: Likely benign for SEC63-related condition. Last evaluated: 2025-10-13. Review status: criteria provided, single submitter. Criteria: ACMG Guidelines, 2015. Collection method: clinical testing. Allele origin: germline.
Comment: This variant is classified as likely benign based on ACMG/AMP sequence variant interpretation guidelines (Richards et al. 2015 PMID: 25741868, with internal and published modifications).

Labcorp Genetics (formerly Invitae), Labcorp
Classification: Likely benign. Last evaluated: 2025-06-12. Review status: criteria provided, single submitter. Criteria: Invitae Variant Classification Sherloc (09022015). Collection method: clinical testing. Allele origin: germline.